The following is an entry in ClinVar:

ClinVar aggregate classification (germline): Pathogenic/Likely pathogenic. Review status: criteria provided, multiple submitters, no conflicts (2 of 4 stars). 9 submissions from 9 submitters: Pathogenic (4); Likely pathogenic (2). 3 of the submissions do not count toward it. Last evaluated 2026-01-12.

Conditions:
Pituitary hormone deficiency, combined, 2. Also called: PROP1-Related Combined Pituitary Hormone Deficiency; PITUITARY DWARFISM III; ATELIOTIC DWARFISM WITH HYPOGONADISM; HANHART DWARFISM. Identifiers: MedGen C0878683, MONDO:0009878, OMIM 262600.

Allele frequency attached by ClinVar (database versions not stated): gnomAD exomes 0.00007 and 0.00003; TOPMed 0.00007; gnomAD 0.00005; ExAC 0.00006.
gnomAD v4.1: 50 of 1,613,404 alleles (0.0031%); highest among the groups gnomAD compares: Admixed American, 0.037%; no homozygotes.

Submissions (9):

Natera, Inc.
Classification: Pathogenic for Combined pituitary hormone deficiency type 2. Last evaluated: 2026-01-12. Review status: criteria provided, single submitter. Criteria: Natera Variant Classification Schema (03/2026). Collection method: clinical testing. Allele origin: germline.
Comment: The c.358C>T variant in PROP1 is a missense variant predicted to cause substitution of arginine to cysteine at amino acid 120. This variant is rare in the general population with a frequency below the threshold expected for the associated phenotype(s). This variant has been observed in one or more individuals affected with the associated recessive disease, as either homozygous or compound heterozygous with a second variant (PMID: 17526949, 16984240, 21132537). Additionally, this variant has been observed to segregate in affected family members (PMID: 21132537). Computational prediction algorithms indicate this variant is likely to affect gene or protein function. Given the available evidence, this variant is classified as Pathogenic.

3billion
Classification: Likely pathogenic for Pituitary hormone deficiency, combined, 2. Last evaluated: 2025-12-04. Review status: criteria provided, single submitter. Criteria: ACMG Guidelines, 2015. Collection method: clinical testing. Allele origin: germline. Affected: yes.
Comment: The variant is observed at an extremely low frequency in the gnomAD v4.1.0 dataset (total allele frequency: 0.003%). Predicted Consequence/Location: Missense variant In silico tool predictions suggest damaging effect of the variant on gene or gene product [REVEL: 0.93 (>=0.6, sensitivity 0.68 and specificity 0.92); 3Cnet: 0.97 (> 0.75, sensitivity 0.96 and precision 0.92)]. The same nucleotide change resulting in the same amino acid change has been previously reported as pathogenic/likely pathogenic with strong evidence (ClinVar ID: VCV000008095 /PMID: 9462743). Different missense changes at the same codon (p.Arg120His, p.Arg120Leu) have been reported to be associated with PROP1-related disorder (ClinVar ID: VCV000036701, VCV004073473 /PMID: 12464226). Therefore, this variant is classified as Likely pathogenic according to the recommendation of ACMG/AMP guideline.

Labcorp Genetics (formerly Invitae), Labcorp
Classification: Pathogenic. Last evaluated: 2025-06-04. Review status: criteria provided, single submitter. Criteria: Invitae Variant Classification Sherloc (09022015). Collection method: clinical testing. Allele origin: germline.
Comment: This sequence change replaces arginine, which is basic and polar, with cysteine, which is neutral and slightly polar, at codon 120 of the PROP1 protein (p.Arg120Cys). This variant is present in population databases (rs121917839, gnomAD 0.03%). This missense change has been observed in individuals with combined pituitary hormone deficiency (PMID: 9462743, 9768691, 12153609, 17526949). It has also been observed to segregate with disease in related individuals. ClinVar contains an entry for this variant (Variation ID: 8095). Invitae Evidence Modeling of protein sequence and biophysical properties (such as structural, functional, and spatial information, amino acid conservation, physicochemical variation, residue mobility, and thermodynamic stability) has been performed for this missense variant. However, the output from this modeling did not meet the statistical confidence thresholds required to predict the impact of this variant on PROP1 protein function. Experimental studies have shown that this missense change affects PROP1 function (PMID: 9462743). For these reasons, this variant has been classified as Pathogenic.

Fulgent Genetics
Classification: Pathogenic for Pituitary hormone deficiency, combined, 2. Last evaluated: 2024-01-05. Review status: criteria provided, single submitter. Criteria: ACMG Guidelines, 2015. Collection method: clinical testing. Allele origin: germline.

GeneDx
Classification: Pathogenic. Last evaluated: 2023-04-04. Review status: criteria provided, single submitter. Criteria: GeneDx Variant Classification Process June 2021. Collection method: clinical testing. Allele origin: germline. Affected: yes.
Comment: Published functional studies demonstrate a decreased DNA binding efficiency (PMID: 9462743); In silico analysis supports that this missense variant has a deleterious effect on protein structure/function; This variant is associated with the following publications: (PMID: 31589614, 12153609, 14614227, 33098107, 9462743, 9768691, 10323394, 17526949)

Institute of Human Genetics, University of Leipzig Medical Center
Classification: Likely pathogenic for Pituitary hormone deficiency, combined, 2. Last evaluated: 2020-10-08. Review status: criteria provided, single submitter. Criteria: ACMG Guidelines, 2015. Collection method: clinical testing. Allele origin: unknown. Affected: yes.
Comment: This variant was identified as compound heterozygous with NM_006261.4:c.301_302del.

Counsyl
Classification: Likely pathogenic for Pituitary hormone deficiency, combined 2. Last evaluated: 2014-04-09. Review status: no assertion criteria provided. Collection method: literature only. Allele origin: unknown. Inheritance: Autosomal recessive inheritance. Not counted in ClinVar's aggregate classification.

OMIM
Classification: Pathogenic for PITUITARY HORMONE DEFICIENCY, COMBINED, 2. Last evaluated: 1998-10-01. Review status: no assertion criteria provided. Collection method: literature only. Allele origin: germline. Not counted in ClinVar's aggregate classification.

GeneReviews
No classification provided. Condition: Pituitary hormone deficiency, combined, 2. Review status: no classification provided. Collection method: literature only. Allele origin: germline. Not counted in ClinVar's aggregate classification.
Comment: There are reports of spontaneous puberty with decline of gonadotropic function in individuals with PROP1 variants p.Arg120Cys, p.Phe88Ser, and c.150delA [Flück et al 1998].

Literature cited by the submitters: PubMed 17526949 (cited by 3 submitters); PubMed 16984240 (cited by Natera, Inc. and Counsyl); PubMed 21132537 (cited by Natera, Inc.); PubMed 9462743 (cited by 5 submitters); PubMed 12464226 (cited by 3billion); PubMed 9768691 (cited by 4 submitters); PubMed 12153609 (cited by Labcorp Genetics (formerly Invitae), Labcorp and Counsyl); PubMed 10323394 (cited by Counsyl); PubMed 14614227 (cited by Counsyl); NCBI Bookshelf NBK1347 (cited by GeneReviews).

NM_006261.5(PROP1):c.358C>T (p.Arg120Cys)

Gene: PROP1 (PROP paired-like homeobox 1; minus strand). Cytogenetic location: 5q35.3.
Variant type: single nucleotide variant.
Coding change: c.358C>T on transcript NM_006261.5 (MANE Select); coding-DNA position 358, C replaced by T.
Protein change: p.Arg120Cys; replaces arginine 120 with cysteine.
Molecular consequence: missense variant.
Genome position (GRCh38, 1-based): chr5:177,993,032, G>A on the plus strand (C>T on the coding strand, the complement: PROP1 is on the minus strand). VCF-style: chr5-177993032-G-A. GRCh37 (hg19) VCF-style: chr5-177420033-G-A.
Other names: short protein forms R120C.
Identifiers: ClinVar variation 8095 (VCV000008095.22), dbSNP rs121917839, ClinGen allele CA340722.